The following is an entry in ClinVar:

ClinVar aggregate classification (germline): Uncertain significance (1 of 4 stars; one submission).

Conditions:
Hereditary cancer-predisposing syndrome. Also called: Neoplastic Syndromes, Hereditary; Tumor predisposition; Hereditary Cancer Syndrome; Hereditary neoplastic syndrome. Identifiers: Orphanet 140162, MedGen C0027672, MeSH D009386, MONDO:0015356.

Submission:

Ambry Genetics
Classification: Uncertain significance for Hereditary cancer-predisposing syndrome. Last evaluated: 2017-03-09. Review status: criteria provided, single submitter. Criteria: Ambry Variant Classification Scheme 2023. Collection method: clinical testing. Allele origin: germline.
Comment: The p.Q174H variant (also known as c.522A>C), located in coding exon 5 of the PMS2 gene, results from an A to C substitution at nucleotide position 522. The glutamine at codon 174 is replaced by histidine, an amino acid with highly similar properties. This amino acid position is highly conserved in available vertebrate species. In addition, the in silico prediction for this alteration is inconclusive. Since supporting evidence is limited at this time, the clinical significance of this alteration remains unclear.

NM_000535.7(PMS2):c.522A>C (p.Gln174His)

Gene: PMS2 (PMS1 homolog 2, mismatch repair system component; minus strand). Cytogenetic location: 7p22.1.
Variant type: single nucleotide variant.
Coding change: c.522A>C on transcript NM_000535.7 (MANE Select); coding-DNA position 522, A replaced by C.
Protein change: p.Gln174His; replaces glutamine 174 with histidine.
Molecular consequence: missense variant. On other transcripts: 5 prime UTR variant (2), non-coding transcript variant (1).
Genome position (GRCh38, 1-based): chr7:6,002,468, T>G on the plus strand (A>C on the coding strand, the complement: PMS2 is on the minus strand). VCF-style: chr7-6002468-T-G. GRCh37 (hg19) VCF-style: chr7-6042099-T-G.
Other names: c.117A>C, p.Gln39His (NM_001322003.2, NM_001322004.2, NM_001322005.2 and 3 more transcripts); c.522A>C, p.Gln174His (NM_001322006.2, NM_001322014.2); c.204A>C, p.Gln68His (NM_001322007.2, NM_001322008.2); c.-363A>C (NM_001322011.2, NM_001322012.2); c.213A>C, p.Gln71His (NM_001322015.2); short protein forms Q174H, Q71H, Q68H, Q39H.
Identifiers: ClinVar variation 484311 (VCV000484311.5), dbSNP rs1554303873, ClinGen allele CA366744182.
Genomic context (GRCh38, chr7:6,002,468, plus strand): 5'-GTGCATTAACCAATACTCTTGAAAACCAGGATTAATTTACTGTACCTTCTTAATATTCCT[T>G]TGAAATTCCTTATGGCGCACAGGTAGTGTGGAAAATAACTGCTGCACGCTGACTGTGGTC-3'
Protein context (NP_000526.2, residues 164-184): STLPVRHKEF[Gln174His]RNIKKEYAKM